The following is an entry in ClinVar:

ClinVar aggregate classification (germline): Conflicting classifications of pathogenicity. Review status: criteria provided, conflicting classifications (1 of 4 stars). 6 submissions from 6 submitters: Pathogenic (5); Uncertain significance (1). Last evaluated 2026-09-05.

Conditions:
STXBP2-related disorder. Also called: STXBP2-related condition.
Familial hemophagocytic lymphohistiocytosis 5. Also called: STXBP2-Related Familial Hemophagocytic Lymphohistiocytosis (STXBP2-fHLH). Identifiers: Orphanet 540, MedGen C2751293, MONDO:0013135, OMIM 613101.
Familial hemophagocytic lymphohistiocytosis (FHL). Also called: Hereditary hemophagocytic lymphohistiocytosis; Familial erythrophagocytic lymphohistiocytosis; Familial histiocytic reticulosis. Identifiers: Orphanet 158038, Orphanet 540, MedGen C0272199, MONDO:0015541.

Submissions (6):

GeneDx
Classification: Pathogenic. Last evaluated: 2026-09-05. Review status: criteria provided, single submitter. Criteria: GeneDx Variant Classification Process June 2021. Collection method: clinical testing. Allele origin: germline.
Comment: Observed with a pathogenic variant on the opposite allele (in trans) in patients with FHL in the published literature (PMID: 22336081, 23382066), however, the same genotype described previously was identified in an unrelated patient with very low B cells who did not have clinical features of FHL (PMID: 27379089); please note this variant was referred to as c.474_483del_insGA or c.474del10bp/insGA using alternate nomenclature in these studies; Frameshift variant predicted to result in protein truncation or nonsense mediated decay in a gene for which loss of function is a known mechanism of disease; Not observed at significant frequency in large population cohorts (gnomAD); This variant is associated with the following publications: (PMID: 40442269, 27379089, 23382066, 29599780, 34336208, 41300767, 36706356, 22336081)

Labcorp Genetics (formerly Invitae), Labcorp
Classification: Pathogenic for Familial hemophagocytic lymphohistiocytosis 5. Last evaluated: 2026-01-18. Review status: criteria provided, single submitter. Criteria: Invitae Variant Classification Sherloc (09022015). Collection method: clinical testing. Allele origin: germline.
Comment: This sequence change creates a premature translational stop signal (p.Cys158Trpfs*78) in the STXBP2 gene. It is expected to result in an absent or disrupted protein product. Loss-of-function variants in STXBP2 are known to be pathogenic (PMID: 19804848, 22451424). Information on the frequency of this variant in the gnomAD database is not available, as this variant may be reported differently in the database. This premature translational stop signal has been observed in individuals with clinical features of STXBP2-related conditions (PMID: 22336081, 23382066, 27379089, 29599780). For these reasons, this variant has been classified as Pathogenic.

Women's Health and Genetics/Laboratory Corporation of America, LabCorp
Classification: Pathogenic for Familial hemophagocytic lymphohistiocytosis. Last evaluated: 2025-09-30. Review status: criteria provided, single submitter. Criteria: LabCorp Variant Classification Summary - May 2015. Collection method: clinical testing. Allele origin: germline.
Comment: Variant summary: STXBP2 c.474_483delinsGA (p.Cys158TrpfsX78) results in a premature termination codon, predicted to cause a truncation of the encoded protein or absence of the protein due to nonsense mediated decay, which are commonly known mechanisms for disease. The variant was absent in 158970 control chromosomes. c.474_483delinsGA has been observed in individual(s) affected with Familial Hemophagocytic Lymphohistiocytosis (e.g. Saltzman_2012). These data indicate that the variant may be associated with disease. To our knowledge, no experimental evidence demonstrating an impact on protein function has been reported. The following publication have been ascertained in the context of this evaluation (PMID: 22336081). ClinVar contains an entry for this variant (Variation ID: 662726). Based on the evidence outlined above, the variant was classified as pathogenic.

Blueprint Genetics
Classification: Pathogenic for STXBP2-related disorders. Last evaluated: 2024-11-14. Review status: criteria provided, single submitter. Criteria: ACMG Guidelines, 2015. Collection method: clinical testing. Allele origin: germline. Affected: yes. Observed: 1 variant allele.

Fulgent Genetics
Classification: Pathogenic for Familial hemophagocytic lymphohistiocytosis 5. Last evaluated: 2024-02-27. Review status: criteria provided, single submitter. Criteria: ACMG Guidelines, 2015. Collection method: clinical testing. Allele origin: germline.

Revvity Omics, Revvity
Classification: Uncertain significance for Familial hemophagocytic lymphohistiocytosis 5. Last evaluated: 2022-01-28. Review status: criteria provided, single submitter. Criteria: ACMG Guidelines, 2015. Collection method: clinical testing. Allele origin: germline.

Literature cited by the submitters: PubMed 19804848 (cited by Labcorp Genetics (formerly Invitae), Labcorp); PubMed 22451424 (cited by Labcorp Genetics (formerly Invitae), Labcorp); PubMed 22336081 (cited by Labcorp Genetics (formerly Invitae), Labcorp and Women's Health and Genetics/Laboratory Corporation of America, LabCorp); PubMed 23382066 (cited by Labcorp Genetics (formerly Invitae), Labcorp); PubMed 27379089 (cited by Labcorp Genetics (formerly Invitae), Labcorp); PubMed 29599780 (cited by Labcorp Genetics (formerly Invitae), Labcorp).

NM_006949.4(STXBP2):c.474_483delinsGA (p.Cys158fs)

Gene: STXBP2 (syntaxin binding protein 2; plus strand). Cytogenetic location: 19p13.2.
Variant type: Indel.
Coding change: c.474_483delinsGA on transcript NM_006949.4 (MANE Select); coding-DNA positions 474 to 483, CCCCTTCCGG replaced by GA.
Protein change: p.Cys158fs; shifts the reading frame from cysteine 158.
Molecular consequence: frameshift variant. On other transcripts: non-coding transcript variant (1).
Genome position (GRCh38, 1-based): chr19:7,641,749-7,641,758, CCCCTTCCGG replaced by GA. VCF-style: chr19-7641749-CCCCTTCCGG-GA. GRCh37 (hg19) VCF-style: chr19-7706635-CCCCTTCCGG-GA.
Other names: c.465_474delinsGA, p.Cys155fs (NM_001127396.3); c.507_516delinsGA, p.Cys169fs (NM_001272034.2); c.474_483delCCCCTTCCGGinsGA (NM_006949.3); short protein forms C158fs, C169fs, C155fs.
Identifiers: ClinVar variation 662726 (VCV000662726.16), dbSNP rs1599397070, ClinGen allele CA915951622.